The following is an entry in ClinVar:

NM_024422.6(DSC2):c.1825G>C (p.Asp609His)

Gene: DSC2 (desmocollin 2; minus strand). Cytogenetic location: 18q12.1.
Variant type: single nucleotide variant.
Coding change: c.1825G>C on transcript NM_024422.6 (MANE Select); coding-DNA position 1825, G replaced by C.
Protein change: p.Asp609His; replaces aspartic acid 609 with histidine.
Molecular consequence: missense variant.
Genome position (GRCh38, 1-based): chr18:31,074,746, C>G on the plus strand (G>C on the coding strand, the complement: DSC2 is on the minus strand). VCF-style: chr18-31074746-C-G. GRCh37 (hg19) VCF-style: chr18-28654712-C-G.
Other names: c.1396G>C, p.Asp466His (NM_001406506.1, NM_001406507.1); c.1825G>C, p.Asp609His (NM_004949.5); short protein forms D466H, D609H.
Identifiers: ClinVar variation 4757460 (VCV004757460.1).

ClinVar aggregate classification (germline): Uncertain significance (1 of 4 stars; one submission).

Conditions:
Cardiomyopathy (CMYO). Also called: Cardiomyopathies. Identifiers: Orphanet 167848, MedGen C0878544, MONDO:0004994, HP:0001638. Inheritance: Various modes of inheritance.

gnomAD v4.1: 1 of 1,613,940 alleles (0.000062%); highest among the groups gnomAD compares: Non-Finnish European, 0.000085%; no homozygotes.

Submission:

Color Diagnostics, LLC DBA Color Health
Classification: Uncertain significance for Cardiomyopathy. Last evaluated: 2025-07-14. Review status: criteria provided, single submitter. Criteria: ACMG Guidelines, 2015. Collection method: clinical testing. Allele origin: germline.
Comment: This missense variant replaces aspartic acid with histidine at codon 609 of the DSC2 protein. Computational prediction suggests that this variant may not impact protein structure and function. To our knowledge, functional studies have not been reported for this variant. This variant has not been reported in individuals affected with DSC2-related disorders in the literature. This variant has not been identified in the general population by the Genome Aggregation Database (gnomAD). The available evidence is insufficient to determine the role of this variant in disease conclusively. Therefore, this variant is classified as a Variant of Uncertain Significance.